The following is an entry in ClinVar:

NM_003611.3(OFD1):c.1221+553T>C

Gene: OFD1 (OFD1 centriole and centriolar satellite protein; plus strand). Cytogenetic location: Xp22.2.
Variant type: single nucleotide variant.
Coding change: c.1221+553T>C on transcript NM_003611.3 (MANE Select); 553 bases into the intron after coding-DNA position 1221, T replaced by C.
Molecular consequence: intron variant.
Genome position (GRCh38, 1-based): chrX:13,755,795, T>C. VCF-style: chrX-13755795-T-C. GRCh37 (hg19) VCF-style: chrX-13773914-T-C.
Other names: c.801+553T>C (NM_001330210.2); c.1221+553T>C (NM_001440947.1); c.1101+553T>C (NM_001330209.2, NM_001440948.1).
Identifiers: ClinVar variation 4292474 (VCV004292474.1).
Genomic context (GRCh38, chrX:13,755,795, plus strand): 5'-TGCTTCTTTACTTTTCTGTTCATTCGTGTGCTTGCTGTCTGAAGGATGAAGCTGGAACTT[T>C]AGGTACTTACAACATATTTTGTATATGAAATTTATTTTAGCAACTGTGACTTATGTGAGA-3'

ClinVar aggregate classification (germline): Uncertain significance (1 of 4 stars; one submission).

Conditions:
Retinitis pigmentosa 23 (RP23). Identifiers: Orphanet 791, MedGen C1419610, MONDO:0010320, OMIM 300424.

Submission:

3billion
Classification: Uncertain significance for Retinitis pigmentosa 23. Last evaluated: 2024-09-23. Review status: criteria provided, single submitter. Criteria: ACMG Guidelines, 2015. Collection method: clinical testing. Allele origin: germline. Affected: yes.
Comment: The variant is not observed in the gnomAD v4.1.0 dataset. Predicted Consequence/Location: Intron variant In silico tools predict the variant to alter splicing and produce an abnormal transcript [SpliceAI: 0.50 (>=0.2, moderate evidence for spliceogenicity)]. Therefore, this variant is classified as VUS according to the recommendation of ACMG/AMP guideline.